The following is an entry in ClinVar:

NM_000051.4(ATM):c.2921C>T (p.Ser974Phe)

Gene: ATM (ATM serine/threonine kinase; plus strand). Cytogenetic location: 11q22.3.
Variant type: single nucleotide variant.
Coding change: c.2921C>T on transcript NM_000051.4 (MANE Select); coding-DNA position 2921, C replaced by T.
Protein change: p.Ser974Phe; replaces serine 974 with phenylalanine.
Molecular consequence: missense variant.
Genome position (GRCh38, 1-based): chr11:108,271,146, C>T. VCF-style: chr11-108271146-C-T. GRCh37 (hg19) VCF-style: chr11-108141873-C-T.
Other names: c.2921C>T, p.Ser974Phe (NM_001351834.2); short protein forms S974F.
Identifiers: ClinVar variation 186354 (VCV000186354.52), dbSNP rs538105098, ClinGen allele CA194569.
Genomic context (GRCh38, chr11:108,271,146, plus strand): 5'-TTCCTGGAGAAGAGTACCCCTTGCCAATGGAAGATGTTCTTGAACTTCTGAAACCACTAT[C>T]GTAAGAAATTAAAACCTTATGTTATGTTCACTTTAAAGTTATAAAATAACTGATGTGTTC-3'
Protein context (NP_000042.3, residues 964-984): EDVLELLKPL[Ser974Phe]NVCSLYRRDQ

ClinVar aggregate classification (germline): Uncertain significance. Review status: criteria provided, multiple submitters, no conflicts (2 of 4 stars). 8 submissions from 8 submitters: Uncertain significance (7). 1 of the submissions does not count toward it. Last evaluated 2025-12-22.

Conditions:
Hereditary cancer-predisposing syndrome. Also called: Tumor predisposition; Neoplastic Syndromes, Hereditary; Hereditary Cancer Syndrome; Hereditary neoplastic syndrome. Identifiers: Orphanet 140162, MedGen C0027672, MeSH D009386, MONDO:0015356.
Familial cancer of breast. Also called: hereditary breast carcinoma; BREAST CANCER, FAMILIAL; Hereditary breast cancer. Identifiers: Orphanet 227535, MedGen C0346153, MONDO:0016419, OMIM 114480. Disease mechanism: loss of function.
Ataxia-telangiectasia syndrome (AT). Also called: LOUIS-BAR SYNDROME; Ataxia-telangiectasia, complementation group D; Ataxia telangiectasia (A-T); AT, COMPLEMENTATION GROUP C; ATAXIA-TELANGIECTASIA, COMPLEMENTATION GROUP A; ATAXIA-TELANGIECTASIA, FRESNO VARIANT. Identifiers: Orphanet 100, MedGen C0004135, MONDO:0008840, OMIM 208900.

Allele frequency attached by ClinVar (database versions not stated): ExAC 0.00001; gnomAD exomes 0.00001.

Submissions (8):

Labcorp Genetics (formerly Invitae), Labcorp
Classification: Uncertain significance for Ataxia-telangiectasia syndrome. Last evaluated: 2025-12-22. Review status: criteria provided, single submitter. Criteria: Invitae Variant Classification Sherloc (09022015). Collection method: clinical testing. Allele origin: germline.
Comment: This sequence change replaces serine, which is neutral and polar, with phenylalanine, which is neutral and non-polar, at codon 974 of the ATM protein (p.Ser974Phe). This variant is present in population databases (rs538105098, gnomAD 0.01%). This missense change has been observed in individual(s) with breast cancer (PMID: 30287823). ClinVar contains an entry for this variant (Variation ID: 186354). An algorithm developed to predict the effect of missense changes on protein structure and function (PolyPhen-2) suggests that this variant is likely to be disruptive. In summary, the available evidence is currently insufficient to determine the role of this variant in disease. Therefore, it has been classified as a Variant of Uncertain Significance.

Ambry Genetics
Classification: Uncertain significance for Hereditary cancer-predisposing syndrome. Last evaluated: 2025-07-09. Review status: criteria provided, single submitter. Criteria: Ambry Variant Classification Scheme 2023. Collection method: clinical testing. Allele origin: germline.
Comment: The p.S974F variant (also known as c.2921C>T), located in coding exon 18 of the ATM gene, results from a C to T substitution at nucleotide position 2921. The serine at codon 974 is replaced by phenylalanine, an amino acid with highly dissimilar properties. This change occurs in the last base pair of coding exon 18, which makes it likely to have some effect on normal mRNA splicing; however, RNA studies have demonstrated that this alteration does not result in abnormal splicing in the set of samples tested (Ambry internal data). This amino acid position is well conserved in available vertebrate species. In addition, the in silico prediction for this alteration is inconclusive. Based on the available evidence, the clinical significance of this variant remains unclear.

Color Diagnostics, LLC DBA Color Health
Classification: Uncertain significance for Hereditary cancer-predisposing syndrome. Last evaluated: 2023-11-13. Review status: criteria provided, single submitter. Criteria: ACMG Guidelines, 2015. Collection method: clinical testing. Allele origin: germline.
Comment: This missense variant replaces serine with phenylalanine at codon 974 of the ATM protein. Computational prediction suggests that this variant may not impact protein structure and function (internally defined REVEL score threshold <= 0.5, PMID: 27666373). To our knowledge, functional studies have not been reported for this variant. This variant has been reported in individuals affected with breast cancer, but also in unaffected controls (PMID: 30287823). This variant has been identified in 3/251336 chromosomes in the general population by the Genome Aggregation Database (gnomAD). The available evidence is insufficient to determine the role of this variant in disease conclusively. Therefore, this variant is classified as a Variant of Uncertain Significance.

CeGaT Center for Human Genetics Tuebingen
Classification: Uncertain significance. Last evaluated: 2023-09-01. Review status: criteria provided, single submitter. Criteria: CeGaT Center For Human Genetics Tuebingen Variant Classification Criteria Version 2. Collection method: clinical testing. Allele origin: germline. Affected: yes. Observed: 1 variant allele.
Comment: ATM: PM2, BP4

Baylor Genetics
Classification: Uncertain significance for Familial cancer of breast. Last evaluated: 2023-07-23. Review status: criteria provided, single submitter. Criteria: ACMG Guidelines, 2015. Collection method: clinical testing. Allele origin: unknown.

Neuberg Centre For Genomic Medicine, NCGM
Classification: Uncertain significance for Familial cancer of breast. Last evaluated: 2023-07-22. Review status: criteria provided, single submitter. Criteria: ACMG Guidelines, 2015. Collection method: clinical testing. Allele origin: germline. Inheritance: Autosomal dominant inheritance. Affected: yes.
Comment: The observed missense c.2921C>T p.Ser974Phe variant adjacent to the splice region in ATM gene has been reported previously in individuals affected with ATM-related disorders Momozawa et al., 2018; Romick-Rosendale et al., 2013. The p.Ser974Phe variant is present with allele frequency of 0.001% in gnomAD Exomes. This variant has been submitted to the ClinVar database as Uncertain Significance multiple submissions. Multiple lines of computational evidence Polyphen - Probably Damaging, SIFT - Damaging and MutationTaster - Disease causing predict a damaging effect on protein structure and function for this variant. The reference amino acid of p.Ser974Phe in ATM is predicted as conserved by GERP++ and PhyloP across 100 vertebrates. The amino acid Ser at position 974 is changed to a Phe changing protein sequence and it might alter its composition and physico-chemical properties. Additional functional studies will be required to prove the pathogenicity of this variant. For these reasons, this variant has been classified as a Variant of Uncertain Significance VUS.

GeneDx
Classification: Uncertain significance. Last evaluated: 2023-02-20. Review status: criteria provided, single submitter. Criteria: GeneDx Variant Classification Process June 2021. Collection method: clinical testing. Allele origin: germline. Affected: yes.
Comment: Not observed at significant frequency in large population cohorts (gnomAD); In silico analysis supports that this missense variant has a deleterious effect on protein structure/function; Observed in an individual with breast cancer as well as a control individual (Momozawa et al., 2018); This variant is associated with the following publications: (PMID: 24755471, 24951259, 21798893, 23333482, 19781682, 30287823, 35076389)

Natera, Inc.
Classification: Uncertain significance for Ataxia-telangiectasia. Last evaluated: 2021-10-04. Review status: no assertion criteria provided. Collection method: clinical testing. Allele origin: germline. Not counted in ClinVar's aggregate classification.

Literature cited by the submitters: PubMed 30287823 (cited by 3 submitters).